The following is an entry in ClinVar:

NM_001317778.2(SFTPC):c.445G>C (p.Ala149Pro)

Gene: SFTPC (surfactant protein C; plus strand). Cytogenetic location: 8p21.3.
Variant type: single nucleotide variant.
Coding change: c.445G>C on transcript NM_001317778.2 (MANE Select); coding-DNA position 445, G replaced by C.
Protein change: p.Ala149Pro; replaces alanine 149 with proline.
Molecular consequence: missense variant.
Genome position (GRCh38, 1-based): chr8:22,163,910, G>C. VCF-style: chr8-22163910-G-C. GRCh37 (hg19) VCF-style: chr8-22021423-G-C.
Other names: c.445G>C, p.Ala149Pro (NM_001172357.2, NM_001317780.2); c.463G>C, p.Ala155Pro (NM_001172410.2, NM_003018.4); c.304G>C, p.Ala102Pro (NM_001317779.2); short protein forms A155P, A102P, A149P.
Identifiers: ClinVar variation 362560 (VCV000362560.15), dbSNP rs202145169, ClinGen allele CA4664059.

ClinVar aggregate classification (germline): Conflicting classifications of pathogenicity. Review status: criteria provided, conflicting classifications (1 of 4 stars). 6 submissions from 5 submitters: Uncertain significance (1); Benign (1); Likely benign (3). 1 of the submissions does not count toward it. Last evaluated 2024-11-21.

Conditions:
Surfactant metabolism dysfunction, pulmonary, 2 (SMDP2). Also called: DESQUAMATIVE INTERSTITIAL PNEUMONITIS DUE TO SURFACTANT PROTEIN C DEFICIENCY; INTERSTITIAL LUNG DISEASE DUE TO SURFACTANT PROTEIN C DEFICIENCY; PULMONARY ALVEOLAR PROTEINOSIS, CONGENITAL, 2. Identifiers: Orphanet 440392, MedGen C1970470, MONDO:0024465, OMIM 610913.
Interstitial lung disease 2 (ILD2). Also called: FIBROCYSTIC PULMONARY DYSPLASIA; FIBROSING ALVEOLITIS, CRYPTOGENIC; Familial idiopathic pulmonary fibrosis. Identifiers: Orphanet 2032, Orphanet 79126, MedGen C5561926, MONDO:0800497, OMIM 178500, MONDO:0800029.

Allele frequency attached by ClinVar (database versions not stated): TOPMed 0.00016; gnomAD 0.00012; 1000 Genomes Project 30x 0.00016; ExAC 0.00022; ESP Exome Variant Server 0.00024; 1000 Genomes Project 0.00020; gnomAD exomes 0.00022.

Submissions (6):

Blueprint Genetics
Classification: Likely benign. Last evaluated: 2024-11-21. Review status: criteria provided, single submitter. Criteria: ACMG Guidelines, 2015. Collection method: clinical testing. Allele origin: germline.

Labcorp Genetics (formerly Invitae), Labcorp
Classification: Uncertain significance. Last evaluated: 2024-10-16. Review status: criteria provided, single submitter. Criteria: Invitae Variant Classification Sherloc (09022015). Collection method: clinical testing. Allele origin: germline.
Comment: This sequence change replaces alanine, which is neutral and non-polar, with proline, which is neutral and non-polar, at codon 155 of the SFTPC protein (p.Ala155Pro). This variant is present in population databases (rs202145169, gnomAD 0.04%), and has an allele count higher than expected for a pathogenic variant. This missense change has been observed in individual(s) with clinical features of SFTPC-related conditions (PMID: 25782673). ClinVar contains an entry for this variant (Variation ID: 362560). An algorithm developed to predict the effect of missense changes on protein structure and function outputs the following: PolyPhen-2: "Benign". The proline amino acid residue is found in multiple mammalian species, which suggests that this missense change does not adversely affect protein function. In summary, the available evidence is currently insufficient to determine the role of this variant in disease. Therefore, it has been classified as a Variant of Uncertain Significance.

Mendelics
Classification: Benign. Last evaluated: 2022-05-04. Review status: criteria provided, single submitter. Criteria: Mendelics Assertion Criteria 2019. Collection method: clinical testing. Allele origin: germline.

Illumina Laboratory Services, Illumina
Classification: Likely benign for Idiopathic fibrosing alveolitis, chronic form. Last evaluated: 2017-04-27. Review status: criteria provided, single submitter. Criteria: ICSL Variant Classification Criteria 13 December 2019. Collection method: clinical testing. Allele origin: germline.
Comment: This variant was observed as part of a predisposition screen in an ostensibly healthy population. A literature search was performed for the gene, cDNA change, and amino acid change (where applicable). Publications were found based on this search. The evidence from the literature, in combination with allele frequency data from public databases where available, was sufficient to determine this variant is unlikely to cause disease. Therefore, this variant is classified as likely benign.

Illumina Laboratory Services, Illumina
Classification: Likely benign for Surfactant metabolism dysfunction, pulmonary, 2. Last evaluated: 2017-04-27. Review status: criteria provided, single submitter. Criteria: ICSL Variant Classification Criteria 13 December 2019. Collection method: clinical testing. Allele origin: germline.
Comment: the same text as in the submission from Illumina Laboratory Services, Illumina above.

Department of Pathology and Laboratory Medicine, Sinai Health System
Classification: Likely benign. Review status: no assertion criteria provided. Collection method: clinical testing. Allele origin: unknown. Affected: yes. Study: The Canadian Open Genetics Repository (COGR). Not counted in ClinVar's aggregate classification.
Comment: The SFTPC p.Ala149Pro variant was not identified in the literature nor was it identified in Cosmic. The variant was identified in dbSNP (ID: rs202145169), LOVD 3.0 and in ClinVar (classified as likely benign by Illumina for Idiopathic fibrosing alveolitis, chronic form and Pulmonary Surfactant Metabolism Dysfunction, Dominant). The variant was also identified in control databases in 58 of 279270 chromosomes at a frequency of 0.000208 (Genome Aggregation Database Feb 27, 2017). The variant was observed in the following populations: South Asian in 13 of 30600 chromosomes (freq: 0.000425), European (non-Finnish) in 41 of 127120 chromosomes (freq: 0.000323), Other in 1 of 7130 chromosomes (freq: 0.00014), Latino in 2 of 35364 chromosomes (freq: 0.000057) and African in 1 of 24166 chromosomes (freq: 0.000041); it was not observed in the Ashkenazi Jewish, East Asian, and European (Finnish) populations. The p.Ala149 residue is not conserved in mammals and four out of five computational analyses (PolyPhen-2, SIFT, AlignGVGD, MutationTaster) do not suggest a high likelihood of impact to the protein; however, this information is not predictive enough to rule out pathogenicity. The variant occurs outside of the splicing consensus sequence and in silico or computational prediction software programs (SpliceSiteFinder, MaxEntScan, NNSPLICE, GeneSplicer) do not predict a difference in splicing. In summary, based on the above information the clinical significance of this variant cannot be determined with certainty at this time although we would lean towards a more benign role for this variant. This variant is classified as likely benign.

Literature cited by the submitters: PubMed 25782673 (cited by Labcorp Genetics (formerly Invitae), Labcorp and Illumina Laboratory Services, Illumina); PubMed 23025826 (cited by Illumina Laboratory Services, Illumina).